The following is an entry in ClinVar:

ClinVar aggregate classification (germline): Uncertain significance. Review status: criteria provided, multiple submitters, no conflicts (2 of 4 stars). 3 submissions from 3 submitters: Uncertain significance (3). Last evaluated 2026-01-14.

Conditions:
Arrhythmogenic cardiomyopathy with wooly hair and keratoderma. Also called: PALMOPLANTAR KERATODERMA WITH LEFT VENTRICULAR CARDIOMYOPATHY AND WOOLLY HAIR; Carvajal syndrome; Dilated cardiomyopathy with woolly hair and keratoderma; Arrhythmogenic cardiomyopathy with woolly hair and keratoderma. Identifiers: Orphanet 65282, MedGen C1854063, MONDO:0011581, OMIM 605676.
Arrhythmogenic right ventricular dysplasia 8 (ARVD8). Also called: ARRHYTHMOGENIC RIGHT VENTRICULAR DYSPLASIA, FAMILIAL, 8; ARRHYTHMOGENIC RIGHT VENTRICULAR CARDIOMYOPATHY 8; Arrhythmogenic Right Ventricular Dysplasia/Cardiomyopathy 8. Identifiers: MedGen C1843896, MONDO:0011831, OMIM 607450.

Submissions (3):

Labcorp Genetics (formerly Invitae), Labcorp
Classification: Uncertain significance for Arrhythmogenic cardiomyopathy with wooly hair and keratoderma; Arrhythmogenic right ventricular dysplasia 8. Last evaluated: 2026-01-14. Review status: criteria provided, single submitter. Criteria: Invitae Variant Classification Sherloc (09022015). Collection method: clinical testing. Allele origin: germline.
Comment: This sequence change replaces leucine, which is neutral and non-polar, with phenylalanine, which is neutral and non-polar, at codon 124 of the DSP protein (p.Leu124Phe). This variant is not present in population databases (gnomAD no frequency). This variant has not been reported in the literature in individuals affected with DSP-related conditions. ClinVar contains an entry for this variant (Variation ID: 3073849). An algorithm developed to predict the effect of missense changes on protein structure and function (PolyPhen-2) suggests that this variant is likely to be disruptive. In summary, the available evidence is currently insufficient to determine the role of this variant in disease. Therefore, it has been classified as a Variant of Uncertain Significance.

GeneDx
Classification: Uncertain significance. Last evaluated: 2025-02-13. Review status: criteria provided, single submitter. Criteria: GeneDx Variant Classification Process June 2021. Collection method: clinical testing. Allele origin: germline. Affected: yes.
Comment: Not observed at significant frequency in large population cohorts (gnomAD); In silico analysis indicates that this missense variant does not alter protein structure/function; Has not been previously published as pathogenic or benign to our knowledge

All of Us Research Program, National Institutes of Health
Classification: Uncertain significance for Arrhythmogenic cardiomyopathy with wooly hair and keratoderma. Last evaluated: 2023-10-06. Review status: criteria provided, single submitter. Criteria: ACMG Guidelines, 2015. Collection method: clinical testing. Allele origin: germline. Inheritance: Autosomal dominant inheritance. Observed: 1 variant allele, 1 heterozygote.
Comment: This missense variant replaces leucine with phenylalanine at codon 124 of the DSP protein. Computational prediction suggests that this variant may not impact protein structure and function (internally defined REVEL score threshold <= 0.5, PMID: 27666373). To our knowledge, functional studies have not been reported for this variant. This variant has not been reported in individuals affected with DSP-related disorders in the literature. This variant has not been identified in the general population by the Genome Aggregation Database (gnomAD). The available evidence is insufficient to determine the role of this variant in disease conclusively. Therefore, this variant is classified as a Variant of Uncertain Significance.

This study involves interpretation of variants in research participants for the purpose of population health screening. Participant phenotype was not available at the time of variant classification. Additional details can be found in publication PMID: 35346344, PMCID: PMC8962531

NM_004415.4(DSP):c.372G>C (p.Leu124Phe)

Gene: DSP (desmoplakin; plus strand). Cytogenetic location: 6p24.3.
Variant type: single nucleotide variant.
Coding change: c.372G>C on transcript NM_004415.4 (MANE Select); coding-DNA position 372, G replaced by C.
Protein change: p.Leu124Phe; replaces leucine 124 with phenylalanine.
Molecular consequence: missense variant.
Genome position (GRCh38, 1-based): chr6:7,558,214, G>C. VCF-style: chr6-7558214-G-C. GRCh37 (hg19) VCF-style: chr6-7558447-G-C.
Other names: c.372G>C, p.Leu124Phe (NM_001008844.3, NM_001319034.2, NM_001406591.1); short protein forms L124F.
Identifiers: ClinVar variation 3073849 (VCV003073849.3), dbSNP rs2113657693, ClinGen allele CA362671315.